The following is an entry in ClinVar:

NM_177924.5(ASAH1):c.100T>C (p.Ser34Pro)

Gene: ASAH1 (N-acylsphingosine amidohydrolase 1; minus strand). Cytogenetic location: 8p22.
Variant type: single nucleotide variant.
Coding change: c.100T>C on transcript NM_177924.5 (MANE Select); coding-DNA position 100, T replaced by C.
Protein change: p.Ser34Pro; replaces serine 34 with proline.
Molecular consequence: missense variant. On other transcripts: 5 prime UTR variant (1).
Genome position (GRCh38, 1-based): chr8:18,075,566, A>G on the plus strand (T>C on the coding strand, the complement: ASAH1 is on the minus strand). VCF-style: chr8-18075566-A-G. GRCh37 (hg19) VCF-style: chr8-17933075-A-G.
Other names: c.148T>C, p.Ser50Pro (NM_001127505.3, NM_004315.6); c.-96T>C (NM_001363743.2); c.100T>C (NM_177924.3); short protein forms S50P, S34P.
Identifiers: ClinVar variation 1517948 (VCV001517948.7), dbSNP rs1800369463, ClinGen allele CA370434616.

ClinVar aggregate classification (germline): Uncertain significance. Review status: criteria provided, multiple submitters, no conflicts (2 of 4 stars). 2 submissions from 2 submitters: Uncertain significance (2). Last evaluated 2025-07-03.

Conditions:
Inborn genetic diseases. Identifiers: MedGen C0950123, MeSH D030342.

Allele frequency attached by ClinVar (database versions not stated): gnomAD exomes below 0.00001; gnomAD 0.00001.
gnomAD v4.1: 3 of 1,614,038 alleles (0.00019%); highest among the groups gnomAD compares: Middle Eastern, 0.016%; no homozygotes.

Submissions (2):

Ambry Genetics
Classification: Uncertain significance for Inborn genetic diseases. Last evaluated: 2025-07-03. Review status: criteria provided, single submitter. Criteria: Ambry Variant Classification Scheme 2023. Collection method: clinical testing. Allele origin: germline.

Labcorp Genetics (formerly Invitae), Labcorp
Classification: Uncertain significance. Last evaluated: 2022-06-11. Review status: criteria provided, single submitter. Criteria: Invitae Variant Classification Sherloc (09022015). Collection method: clinical testing. Allele origin: germline.
Comment: This sequence change replaces serine, which is neutral and polar, with proline, which is neutral and non-polar, at codon 34 of the ASAH1 protein (p.Ser34Pro). This variant is not present in population databases (gnomAD no frequency). This variant has not been reported in the literature in individuals affected with ASAH1-related conditions. Algorithms developed to predict the effect of missense changes on protein structure and function (SIFT, PolyPhen-2, Align-GVGD) all suggest that this variant is likely to be tolerated. In summary, the available evidence is currently insufficient to determine the role of this variant in disease. Therefore, it has been classified as a Variant of Uncertain Significance.